The following is an entry in ClinVar:

ClinVar aggregate classification (germline): Uncertain significance. Review status: criteria provided, multiple submitters, no conflicts (2 of 4 stars). 2 submissions from 2 submitters: Uncertain significance (2). Last evaluated 2022-04-06.

Conditions:
Multiple congenital anomalies-hypotonia-seizures syndrome 1 (MCAHS1). Also called: GLYCOSYLPHOSPHATIDYLINOSITOL BIOSYNTHESIS DEFECT 3; PIGN-CDG; Congenital disorder of glycosylation due to PIGN deficiency. Identifiers: Orphanet 280633, MedGen C3279775, MONDO:0013563, OMIM 614080.

Allele frequency attached by ClinVar (database versions not stated): TOPMed 0.00004.
gnomAD v4.1: 18 of 1,610,304 alleles (0.0011%); highest among the groups gnomAD compares: Non-Finnish European, 0.0015%; 1 homozygote.

Submissions (2):

GeneDx
Classification: Uncertain significance. Last evaluated: 2022-04-06. Review status: criteria provided, single submitter. Criteria: GeneDx Variant Classification Process June 2021. Collection method: clinical testing. Allele origin: germline. Affected: yes.
Comment: Not observed at significant frequency in large population cohorts (gnomAD); In silico analysis supports that this missense variant does not alter protein structure/function; Has not been previously published as pathogenic or benign to our knowledge

Labcorp Genetics (formerly Invitae), Labcorp
Classification: Uncertain significance for Multiple congenital anomalies-hypotonia-seizures syndrome 1. Last evaluated: 2021-10-27. Review status: criteria provided, single submitter. Criteria: Invitae Variant Classification Sherloc (09022015). Collection method: clinical testing. Allele origin: germline.
Comment: This sequence change replaces isoleucine, a(n) neutral and non-polar amino acid, with valine, a(n) neutral and non-polar amino acid, at codon 470 of the PIGN protein (p.Ile470Val). This variant is present in population databases (rs3862712, gnomAD 0.003%). This variant has not been reported in the literature in individuals affected with PIGN-related conditions. ClinVar contains an entry for this variant (Variation ID: 861167). Algorithms developed to predict the effect of missense changes on protein structure and function output the following: SIFT: "Tolerated"; PolyPhen-2: "Benign"; Align-GVGD: "Class C0". The valine amino acid residue is found in multiple mammalian species, which suggests that this missense change does not adversely affect protein function. In summary, the available evidence is currently insufficient to determine the role of this variant in disease. Therefore, it has been classified as a Variant of Uncertain Significance.

NM_176787.5(PIGN):c.1408A>G (p.Ile470Val)

Gene: PIGN (phosphatidylinositol glycan anchor biosynthesis class N; minus strand). Cytogenetic location: 18q21.33.
Variant type: single nucleotide variant.
Coding change: c.1408A>G on transcript NM_176787.5 (MANE Select); coding-DNA position 1408, A replaced by G.
Protein change: p.Ile470Val; replaces isoleucine 470 with valine.
Molecular consequence: missense variant.
Genome position (GRCh38, 1-based): chr18:62,113,160, T>C on the plus strand (A>G on the coding strand, the complement: PIGN is on the minus strand). VCF-style: chr18-62113160-T-C. GRCh37 (hg19) VCF-style: chr18-59780393-T-C.
Other names: c.1408A>G, p.Ile470Val (NM_012327.6); short protein forms I470V.
Identifiers: ClinVar variation 861167 (VCV000861167.6), dbSNP rs3862712, ClinGen allele CA8982308.